The following is an entry in ClinVar:

ClinVar aggregate classification (germline): Likely pathogenic (1 of 4 stars; one submission).

Conditions:
Hereditary cancer-predisposing syndrome. Also called: Neoplastic Syndromes, Hereditary; Tumor predisposition; Hereditary Cancer Syndrome; Hereditary neoplastic syndrome. Identifiers: Orphanet 140162, MedGen C0027672, MeSH D009386, MONDO:0015356.

Submissions (4):

Ambry Genetics
Classification: Likely pathogenic for Hereditary cancer-predisposing syndrome. Last evaluated: 2026-05-06. Review status: criteria provided, single submitter. Criteria: Ambry Variant Classification Scheme 2023. Collection method: clinical testing. Allele origin: germline.
Comment: The c.476-1G>C intronic variant results from a G to C substitution one nucleotide upstream from coding exon 2 of the CDKN1B gene. This variant is considered to be rare based on population cohorts in the Genome Aggregation Database (gnomAD). This nucleotide position is highly conserved in available vertebrate species. In silico splice site analysis predicts that this alteration will weaken the native splice acceptor site and will result in the creation or strengthening of a novel splice acceptor site; however, direct evidence is insufficient at this time (Ambry internal data). Alterations that disrupt the canonical splice site are expected to cause aberrant splicing, resulting in an abnormal protein or a transcript that is subject to nonsense-mediated mRNA decay. As such, this alteration is classified as likely pathogenic.

Dr. Peter K. Rogan Lab, Western University
No classification provided (evidence only). Condition: Familial cancer of breast. Review status: no classification provided. Collection method: in vitro. Allele origin: not applicable. Functional consequence: retained intron. Not counted in ClinVar's aggregate classification.

Dr. Peter K. Rogan Lab, Western University
No classification provided (evidence only). Condition: Nonpapillary renal cell carcinoma. Review status: no classification provided. Collection method: in vitro. Allele origin: not applicable. Functional consequence: retained intron. Not counted in ClinVar's aggregate classification.

MutSpliceDB: a database of splice sites variants effects on splicing, NIH
No classification provided (evidence only). Review status: no classification provided. Collection method: in vivo. Allele origin: not applicable. Functional consequence: retained intron. Not counted in ClinVar's aggregate classification.

NM_004064.5(CDKN1B):c.476-1G>C

Gene: CDKN1B (cyclin dependent kinase inhibitor 1B; plus strand). Cytogenetic location: 12p13.1.
Variant type: single nucleotide variant.
Coding change: c.476-1G>C on transcript NM_004064.5 (MANE Select); the canonical splice acceptor site of the intron before coding-DNA position 476, G replaced by C.
Molecular consequence: splice acceptor variant.
Genome position (GRCh38, 1-based): chr12:12,718,824, G>C. VCF-style: chr12-12718824-G-C. GRCh37 (hg19) VCF-style: chr12-12871758-G-C.
Other names: NC_000012.11:g.12871758G>C; c.476-1G>C (NM_004064.3).
Identifiers: ClinVar variation 1192294 (VCV001192294.5), dbSNP rs2136357231, ClinGen allele CA383972469.